The following is an entry in ClinVar:

ClinVar aggregate classification (germline): Likely pathogenic (1 of 4 stars; one submission).

Conditions:
Fanconi anemia complementation group I (FANCI). Also called: FANCI-Related Fanconi Anemia. Identifiers: Orphanet 84, MedGen C1836861, MONDO:0012186, OMIM 609053.

Submission:

Laboratorio de Genetica e Diagnostico Molecular, Hospital Israelita Albert Einstein
Classification: Likely pathogenic for Fanconi anemia complementation group I. Last evaluated: 2023-07-13. Review status: criteria provided, single submitter. Criteria: ACMG Guidelines, 2015. Collection method: clinical testing. Allele origin: germline. Affected: yes.
Comment: ACMG classification criteria: PVS1 very strong, PM2 moderate

NM_001113378.2(FANCI):c.3644dup (p.Tyr1215Ter)

Gene: FANCI (FA complementation group I; plus strand). Cytogenetic location: 15q26.1.
Variant type: Duplication.
Coding change: c.3644dup on transcript NM_001113378.2 (MANE Select); coding-DNA position 3644, one base duplicated (A; older notation c.3644dupA).
Protein change: p.Tyr1215Ter; replaces tyrosine 1215 with a stop codon.
Molecular consequence: nonsense.
Genome position (GRCh38, 1-based): chr15:89,307,665, A duplicated. VCF-style (leftmost placement, unchanged base first): chr15-89307664-T-TA. GRCh37 (hg19) VCF-style: chr15-89850895-T-TA.
Other names: c.3365dup, p.Tyr1122Ter (NM_001376910.1); c.3644dup, p.Tyr1215Ter (NM_001376911.1); c.3464dup, p.Tyr1155Ter (NM_018193.3); short protein forms Y1122*, Y1155*, Y1215*.
Identifiers: ClinVar variation 3902011 (VCV003902011.1).